The following is an entry in ClinVar:

ClinVar aggregate classification (germline): Uncertain significance (1 of 4 stars; one submission).

Conditions:
Leukodystrophy, hypomyelinating, 6. Also called: Hypomyelination with Atrophy of Basal Ganglia and Cerebellum (H-ABC); LEUKODYSTROPHY, HYPOMYELINATING, WITH ATROPHY OF THE BASAL GANGLIA AND CEREBELLUM; TUBB4A-Associated Leukodystrophy. Identifiers: Orphanet 139441, MedGen C2676244, MONDO:0012905, OMIM 612438.

Submission:

Centre for Mendelian Genomics, University Medical Centre Ljubljana
Classification: Uncertain significance for Leukodystrophy, hypomyelinating, 6. Last evaluated: 2018-09-25. Review status: criteria provided, single submitter. Criteria: ACMG Guidelines, 2015. Collection method: clinical testing. Allele origin: unknown. Affected: yes.
Comment: This variant was classified as: Uncertain significance. The available evidence on this variant's pathogenicity is insufficient or conflicting. The following ACMG criteria were applied in classifying this variant: PM2,PP3,BS2.

NM_006087.4(TUBB4A):c.1155C>A (p.Phe385Leu)

Gene: TUBB4A (tubulin beta 4A class IVa; minus strand). Cytogenetic location: 19p13.3.
Variant type: single nucleotide variant.
Coding change: c.1155C>A on transcript NM_006087.4 (MANE Select); coding-DNA position 1155, C replaced by A.
Protein change: p.Phe385Leu; replaces phenylalanine 385 with leucine.
Molecular consequence: missense variant.
Genome position (GRCh38, 1-based): chr19:6,495,344, G>T on the plus strand (C>A on the coding strand, the complement: TUBB4A is on the minus strand). VCF-style: chr19-6495344-G-T. GRCh37 (hg19) VCF-style: chr19-6495355-G-T.
Other names: c.1308C>A, p.Phe436Leu (NM_001289123.2); c.1290C>A, p.Phe430Leu (NM_001289127.2); c.1155C>A, p.Phe385Leu (NM_001289129.2); c.939C>A, p.Phe313Leu (NM_001289130.2, NM_001289131.2); short protein forms F430L, F385L, F436L, F313L.
Identifiers: ClinVar variation 931790 (VCV000931790.3), dbSNP rs1914088089, ClinGen allele CA403588768.